The following is an entry in ClinVar:

NC_000018.9:g.(?_2920271)_(2960858_?)dup

Genes: LPIN2 (lipin 2; minus strand), LOC130062090 (ATAC-STARR-seq lymphoblastoid active region 13029; plus strand), LOC130062091 (ATAC-STARR-seq lymphoblastoid active region 13030; plus strand), LOC130062092 (ATAC-STARR-seq lymphoblastoid active region 13031; plus strand). Cytogenetic location: 18p11.31.
Variant type: Duplication.
Identifiers: ClinVar variation 583753 (VCV000583753.2).

ClinVar aggregate classification (germline): Uncertain significance (1 of 4 stars; one submission).

Conditions:
Majeed syndrome (MJDS). Also called: CHRONIC RECURRENT MULTIFOCAL OSTEOMYELITIS 1, WITH CONGENITAL DYSERYTHROPOIETIC ANEMIA, WITH OR WITHOUT NEUTROPHILIC DERMATOSIS; LPIN2-Related Majeed Syndrome. Identifiers: Orphanet 77297, MedGen C1864997, MONDO:0012316, OMIM 609628.

Submission:

Labcorp Genetics (formerly Invitae), Labcorp
Classification: Uncertain significance for Majeed syndrome. Last evaluated: 2019-10-04. Review status: criteria provided, single submitter. Criteria: Invitae Variant Classification Sherloc (09022015). Collection method: clinical testing. Allele origin: germline.
Comment: This variant results in a copy number gain of the genomic region encompassing the full coding sequence of the LPIN2 gene. The boundaries of this event are unknown as they extend beyond the assayed region for this gene and therefore may encompass additional genes. As the precise location of this event is unknown, it may be in tandem or it may be located elsewhere in the genome. This variant has not been reported in the literature in individuals with LPIN2-related disease. In summary, the available evidence is currently insufficient to determine the role of this variant in disease. Therefore, it has been classified as a Variant of Uncertain Significance.